The following is an entry in ClinVar:

NM_001177316.2(SLC34A3):c.371T>C (p.Ile124Thr)

Gene: SLC34A3 (solute carrier family 34 member 3; plus strand). Cytogenetic location: 9q34.3.
Variant type: single nucleotide variant.
Coding change: c.371T>C on transcript NM_001177316.2 (MANE Select); coding-DNA position 371, T replaced by C.
Protein change: p.Ile124Thr; replaces isoleucine 124 with threonine.
Molecular consequence: missense variant.
Genome position (GRCh38, 1-based): chr9:137,232,850, T>C. VCF-style: chr9-137232850-T-C. GRCh37 (hg19) VCF-style: chr9-140127302-T-C.
Other names: c.371T>C (NM_080877.2); c.371T>C, p.Ile124Thr (NM_001177317.2, NM_080877.3); short protein forms I124T.
Identifiers: ClinVar variation 2052644 (VCV002052644.3), dbSNP rs371519982, ClinGen allele CA5364355.

ClinVar aggregate classification (germline): Uncertain significance. Review status: criteria provided, multiple submitters, no conflicts (2 of 4 stars). 3 submissions from 3 submitters: Uncertain significance (3). Last evaluated 2025-07-08.

Conditions:
Autosomal recessive hypophosphatemic bone disease (HHRH). Also called: HYPERCALCIURIC RICKETS; Hypophosphatemic rickets with hypercalciuria. Identifiers: Orphanet 157215, MedGen C1853271, MONDO:0009431, OMIM 241530.

Allele frequency attached by ClinVar (database versions not stated): ExAC 0.00006; gnomAD 0.00006; gnomAD exomes 0.00006; TOPMed 0.00006; ESP Exome Variant Server 0.00015.
gnomAD v4.1: 103 of 1,612,804 alleles (0.0064%); highest among the groups gnomAD compares: East Asian, 0.0089%; 1 homozygote.

Submissions (3):

GeneDx
Classification: Uncertain significance. Last evaluated: 2025-07-08. Review status: criteria provided, single submitter. Criteria: GeneDx Variant Classification Process June 2021. Collection method: clinical testing. Allele origin: germline. Affected: yes.
Comment: In silico analysis supports that this missense variant has a deleterious effect on protein structure/function; Has not been previously published as pathogenic or benign to our knowledge

Fulgent Genetics
Classification: Uncertain significance for Autosomal recessive hypophosphatemic bone disease. Last evaluated: 2024-01-05. Review status: criteria provided, single submitter. Criteria: ACMG Guidelines, 2015. Collection method: clinical testing. Allele origin: germline.

Labcorp Genetics (formerly Invitae), Labcorp
Classification: Uncertain significance. Last evaluated: 2022-08-05. Review status: criteria provided, single submitter. Criteria: Invitae Variant Classification Sherloc (09022015). Collection method: clinical testing. Allele origin: germline.
Comment: This sequence change replaces isoleucine, which is neutral and non-polar, with threonine, which is neutral and polar, at codon 124 of the SLC34A3 protein (p.Ile124Thr). This variant is present in population databases (rs371519982, gnomAD 0.01%), including at least one homozygous and/or hemizygous individual. This variant has not been reported in the literature in individuals affected with SLC34A3-related conditions. Algorithms developed to predict the effect of missense changes on protein structure and function are either unavailable or do not agree on the potential impact of this missense change (SIFT: "Deleterious"; PolyPhen-2: "Probably Damaging"; Align-GVGD: "Class C0"). In summary, the available evidence is currently insufficient to determine the role of this variant in disease. Therefore, it has been classified as a Variant of Uncertain Significance.